The following is an entry in ClinVar:

ClinVar aggregate classification (germline): Uncertain significance (1 of 4 stars; one submission).

Conditions:
Neuroblastoma, susceptibility to, 3. Also called: ALK-Related Neuroblastic Tumor Susceptibility. Identifiers: Orphanet 635, MedGen C2751681, MONDO:0013083, OMIM 613014.

gnomAD v4.1: 1 of 1,611,068 alleles (0.000062%); highest among the groups gnomAD compares: Non-Finnish European, 0.000085%; no homozygotes.

Submission:

Labcorp Genetics (formerly Invitae), Labcorp
Classification: Uncertain significance for Neuroblastoma, susceptibility to, 3. Last evaluated: 2024-05-15. Review status: criteria provided, single submitter. Criteria: Invitae Variant Classification Sherloc (09022015). Collection method: clinical testing. Allele origin: germline.
Comment: This sequence change replaces serine, which is neutral and polar, with phenylalanine, which is neutral and non-polar, at codon 905 of the ALK protein (p.Ser905Phe). This variant is not present in population databases (gnomAD no frequency). This variant has not been reported in the literature in individuals affected with ALK-related conditions. An algorithm developed to predict the effect of missense changes on protein structure and function (PolyPhen-2) suggests that this variant is likely to be disruptive. In summary, the available evidence is currently insufficient to determine the role of this variant in disease. Therefore, it has been classified as a Variant of Uncertain Significance.

NM_004304.5(ALK):c.2714C>T (p.Ser905Phe)

Gene: ALK (ALK receptor tyrosine kinase; minus strand). Cytogenetic location: 2p23.2.
Variant type: single nucleotide variant.
Coding change: c.2714C>T on transcript NM_004304.5 (MANE Select); coding-DNA position 2714, C replaced by T.
Protein change: p.Ser905Phe; replaces serine 905 with phenylalanine.
Molecular consequence: missense variant.
Genome position (GRCh38, 1-based): chr2:29,228,985, G>A on the plus strand (C>T on the coding strand, the complement: ALK is on the minus strand). VCF-style: chr2-29228985-G-A. GRCh37 (hg19) VCF-style: chr2-29451851-G-A.
Other names: short protein forms S905F.
Identifiers: ClinVar variation 3653421 (VCV003653421.2).